The following is an entry in ClinVar:

ClinVar aggregate classification (germline): Uncertain significance (1 of 4 stars; one submission).

Allele frequency attached by ClinVar (database versions not stated): gnomAD exomes below 0.00001.
gnomAD v4.1: 4 of 1,613,684 alleles (0.00025%); highest among the groups gnomAD compares: Non-Finnish European, 0.00025%; no homozygotes.

Submission:

Labcorp Genetics (formerly Invitae), Labcorp
Classification: Uncertain significance. Last evaluated: 2023-05-05. Review status: criteria provided, single submitter. Criteria: Invitae Variant Classification Sherloc (09022015). Collection method: clinical testing. Allele origin: germline.
Comment: In summary, the available evidence is currently insufficient to determine the role of this variant in disease. Therefore, it has been classified as a Variant of Uncertain Significance. Advanced modeling of protein sequence and biophysical properties (such as structural, functional, and spatial information, amino acid conservation, physicochemical variation, residue mobility, and thermodynamic stability) performed at Invitae indicates that this missense variant is not expected to disrupt ZNF148 protein function. This variant has not been reported in the literature in individuals affected with ZNF148-related conditions. This variant is not present in population databases (gnomAD no frequency). This sequence change replaces isoleucine, which is neutral and non-polar, with valine, which is neutral and non-polar, at codon 571 of the ZNF148 protein (p.Ile571Val).

NM_021964.3(ZNF148):c.1711A>G (p.Ile571Val)

Genes: ZNF148 (zinc finger protein 148; minus strand), LOC126806798 (P300/CBP strongly-dependent group 1 enhancer GRCh37_chr3:124950809-124952008; plus strand). Cytogenetic location: 3q21.2.
Variant type: single nucleotide variant.
Coding change: c.1711A>G on transcript NM_021964.3 (MANE Select); coding-DNA position 1711, A replaced by G.
Protein change: p.Ile571Val; replaces isoleucine 571 with valine.
Molecular consequence: missense variant.
Genome position (GRCh38, 1-based): chr3:125,233,015, T>C on the plus strand (A>G on the coding strand, the complement: ZNF148 is on the minus strand). VCF-style: chr3-125233015-T-C. GRCh37 (hg19) VCF-style: chr3-124951859-T-C.
Other names: c.1711A>G, p.Ile571Val (NM_001348424.1, NM_001348425.2, NM_001348426.2 and 7 more transcripts); c.1585A>G, p.Ile529Val (NM_001348434.2); short protein forms I529V, I571V.
Identifiers: ClinVar variation 2862206 (VCV002862206.3), dbSNP rs761451849, ClinGen allele CA354294722.